The following is an entry in ClinVar:

NC_000002.11:g.(?_96930856)_(96931119_?)dup

Gene: TMEM127 (transmembrane protein 127; minus strand). Cytogenetic location: 2q11.2.
Variant type: Duplication.
Identifiers: ClinVar variation 2426364 (VCV002426364.3).

ClinVar aggregate classification (germline): Uncertain significance (1 of 4 stars; one submission).

Conditions:
Hereditary pheochromocytoma and paraganglioma. Also called: Hereditary paragangliomas and pheochromocytomas; Hereditary Paraganglioma-Pheochromocytoma Syndromes; Hereditary pheochromocytoma-paraganglioma. Identifiers: Orphanet 29072, MedGen C4274332, MONDO:0017366.

Submission:

Labcorp Genetics (formerly Invitae), Labcorp
Classification: Uncertain significance for Hereditary pheochromocytoma and paraganglioma. Last evaluated: 2022-10-23. Review status: criteria provided, single submitter. Criteria: Invitae Variant Classification Sherloc (09022015). Collection method: clinical testing. Allele origin: germline.
Comment: This variant results in a copy number gain of the genomic region encompassing exon(s) 2 of the TMEM127 gene. This region includes the initiator codon of the gene. This copy number gain extends beyond the assayed region for this gene and therefore may encompass additional genes. As the precise location of this event is unknown, it may be in tandem or it may be located elsewhere in the genome. This variant has not been reported in the literature in individuals affected with TMEM127-related conditions. In summary, the available evidence is currently insufficient to determine the role of this variant in disease. Therefore, it has been classified as a Variant of Uncertain Significance.